The following is an entry in ClinVar:

NM_022455.5(NSD1):c.6655C>T (p.Arg2219Cys)

Gene: NSD1 (nuclear receptor binding SET domain protein 1; plus strand). Cytogenetic location: 5q35.3.
Variant type: single nucleotide variant.
Coding change: c.6655C>T on transcript NM_022455.5 (MANE Select); coding-DNA position 6655, C replaced by T.
Protein change: p.Arg2219Cys; replaces arginine 2219 with cysteine.
Molecular consequence: missense variant.
Genome position (GRCh38, 1-based): chr5:177,294,023, C>T. VCF-style: chr5-177294023-C-T. GRCh37 (hg19) VCF-style: chr5-176721024-C-T.
Other names: c.5782C>T, p.Arg1928Cys (NM_001365684.2, NM_001409308.1, NM_172349.5); c.6655C>T, p.Arg2219Cys (NM_001409301.1, NM_001409302.1, NM_001409303.1); c.6235C>T, p.Arg2079Cys (NM_001409304.1); c.5902C>T, p.Arg1968Cys (NM_001409305.1); c.5893C>T, p.Arg1965Cys (NM_001409306.1, NM_001409307.1); c.5533C>T, p.Arg1845Cys (NM_001409309.1); short protein forms R1950C, R2219C, R1845C, R1965C, R1968C, R2079C, R1928C.
Identifiers: ClinVar variation 1211364 (VCV001211364.5), dbSNP rs2127279650, ClinGen allele CA362324682.

ClinVar aggregate classification (germline): Conflicting classifications of pathogenicity. Review status: criteria provided, conflicting classifications (1 of 4 stars). 3 submissions from 3 submitters: Likely pathogenic (2); Uncertain significance (1). Last evaluated 2026-04-23.

Conditions:
Sotos syndrome (SOTOS). Also called: Distinctive facial appearance, overgrowth in childhood, and learning disabilities or delayed development; CHROMOSOME 5q35 DELETION SYNDROME; Sotos' syndrome; SOTOS SYNDROME 1; CEREBRAL GIGANTISM. Identifiers: Orphanet 821, MedGen C0175695, MONDO:0019349, OMIM 117550.

Submissions (3):

Victorian Clinical Genetics Services, Murdoch Childrens Research Institute
Classification: Likely pathogenic for Sotos syndrome. Last evaluated: 2026-04-23. Review status: criteria provided, single submitter. Criteria: ACMG Guidelines, 2015. Collection method: clinical testing. Allele origin: germline. Affected: yes.
Comment: This variant is classified as Likely pathogenic. Evidence in support of pathogenic classification: Variant is absent from gnomAD (v2, v3 and v4); This variant has limited previous evidence of pathogenicity in an unrelated individual(s). This variant has been classified as VUS and likely pathogenic by clinical laboratories in ClinVar, and reported in the literature in an individual with Sotos syndrome (PMID: 40558479); Another missense variant comparable to the one identified in this case has limited previous evidence for pathogenicity. p.(Arg2219His) has been classified as pathogenic by a clinical laboratory in ClinVar, and identified in an individual with NSD1-related features (DECIPHER); Missense variant predicted to be damaging by in silico tool(s) or highly conserved with a major amino acid change. Additional information: Variant is predicted to result in a missense amino acid change from Arg to Cys; This variant is heterozygous; This gene is associated with autosomal dominant disease; No published evidence of segregation with disease has been identified for this variant; No published functional evidence has been identified for this variant; Variant is not located in an established domain, motif, hotspot or informative constraint region; Loss of function is a known mechanism of disease in this gene and is associated with Sotos syndrome (MIM#117550).

MVZ Martinsried, Medicover Genetics
Classification: Uncertain significance for Sotos syndrome. Last evaluated: 2025-09-15. Review status: criteria provided, single submitter. Criteria: ClinGen Variant Curation SOP V3.2 + Classification Guidance July2025. Collection method: clinical testing. Allele origin: unknown. Affected: yes. Observed: 1 heterozygote.

GeneDx
Classification: Likely pathogenic. Last evaluated: 2020-12-07. Review status: criteria provided, single submitter. Criteria: GeneDx Variant Classification Process June 2021. Collection method: clinical testing. Allele origin: germline. Affected: yes.
Comment: Not observed in large population cohorts (Lek et al., 2016); In silico analysis supports that this missense variant has a deleterious effect on protein structure/function; Has not been previously published as pathogenic or benign to our knowledge; A different missense change at this residue (R2219H) has been reported at GeneDx in association with Sotos syndrome

Literature cited by the submitters: PubMed 40558479 (cited by Victorian Clinical Genetics Services, Murdoch Childrens Research Institute).